The following is an entry in ClinVar:

ClinVar aggregate classification (germline): Conflicting classifications of pathogenicity. Review status: criteria provided, conflicting classifications (1 of 4 stars). 2 submissions from 2 submitters: Uncertain significance (1); Likely benign (1). Last evaluated 2025-07-02.

Conditions:
Rhabdoid tumor predisposition syndrome 2 (RTPS2). Identifiers: Orphanet 231108, Orphanet 69077, MedGen C2750074, MONDO:0013224, OMIM 613325.
Hereditary cancer-predisposing syndrome. Also called: Hereditary neoplastic syndrome; Neoplastic Syndromes, Hereditary; Tumor predisposition; Hereditary Cancer Syndrome. Identifiers: Orphanet 140162, MedGen C0027672, MeSH D009386, MONDO:0015356.

Allele frequency attached by ClinVar (database versions not stated): gnomAD exomes below 0.00001.
gnomAD v4.1: 1 of 1,614,228 alleles (0.000062%); highest among the groups gnomAD compares: Non-Finnish European, 0.000085%; no homozygotes.

Submissions (2):

Ambry Genetics
Classification: Likely benign for Hereditary cancer-predisposing syndrome. Last evaluated: 2025-07-02. Review status: criteria provided, single submitter. Criteria: Ambry Variant Classification Scheme 2023. Collection method: clinical testing. Allele origin: germline.

Labcorp Genetics (formerly Invitae), Labcorp
Classification: Uncertain significance for Rhabdoid tumor predisposition syndrome 2. Last evaluated: 2022-11-20. Review status: criteria provided, single submitter. Criteria: Invitae Variant Classification Sherloc (09022015). Collection method: clinical testing. Allele origin: germline.
Comment: In summary, the available evidence is currently insufficient to determine the role of this variant in disease. Therefore, it has been classified as a Variant of Uncertain Significance. Advanced modeling of protein sequence and biophysical properties (such as structural, functional, and spatial information, amino acid conservation, physicochemical variation, residue mobility, and thermodynamic stability) performed at Invitae indicates that this missense variant is not expected to disrupt SMARCA4 protein function. ClinVar contains an entry for this variant (Variation ID: 470258). This variant has not been reported in the literature in individuals affected with SMARCA4-related conditions. This variant is not present in population databases (gnomAD no frequency). This sequence change replaces alanine, which is neutral and non-polar, with valine, which is neutral and non-polar, at codon 589 of the SMARCA4 protein (p.Ala589Val).

NM_003072.5(SMARCA4):c.1766C>T (p.Ala589Val)

Gene: SMARCA4 (SWI/SNF related BAF chromatin remodeling complex subunit ATPase 4; plus strand). Cytogenetic location: 19p13.2.
Variant type: single nucleotide variant.
Coding change: c.1766C>T on transcript NM_003072.5 (MANE Select); coding-DNA position 1766, C replaced by T.
Protein change: p.Ala589Val; replaces alanine 589 with valine.
Molecular consequence: missense variant. On other transcripts: non-coding transcript variant (1).
Genome position (GRCh38, 1-based): chr19:10,996,498, C>T. VCF-style: chr19-10996498-C-T. GRCh37 (hg19) VCF-style: chr19-11107174-C-T.
Other names: c.1766C>T, p.Ala589Val (NM_001128844.3, NM_001128845.2, NM_001128846.2 and 5 more transcripts); short protein forms A589V.
Identifiers: ClinVar variation 470258 (VCV000470258.12), dbSNP rs1555763943, ClinGen allele CA404064726.